The following is an entry in ClinVar:

ClinVar aggregate classification (germline): Conflicting classifications of pathogenicity. Review status: criteria provided, conflicting classifications (1 of 4 stars). 3 submissions from 3 submitters: Uncertain significance (1); Likely benign (1). 1 of the submissions does not count toward it. Last evaluated 2026-05-28.

Conditions:
Hereditary cancer-predisposing syndrome. Also called: Hereditary Cancer Syndrome; Neoplastic Syndromes, Hereditary; Tumor predisposition; Hereditary neoplastic syndrome. Identifiers: Orphanet 140162, MedGen C0027672, MeSH D009386, MONDO:0015356.

gnomAD v4.1: 1 of 1,614,190 alleles (0.000062%); highest among the groups gnomAD compares: South Asian, 0.0011%; no homozygotes.

Submissions (3):

Ambry Genetics
Classification: Likely benign for Hereditary cancer-predisposing syndrome. Last evaluated: 2026-05-28. Review status: criteria provided, single submitter. Criteria: Ambry Variant Classification Scheme 2023. Collection method: clinical testing. Allele origin: germline.

Color Diagnostics, LLC DBA Color Health
Classification: Uncertain significance for Hereditary cancer-predisposing syndrome. Last evaluated: 2019-06-03. Review status: criteria provided, single submitter. Criteria: ACMG Guidelines, 2015. Collection method: clinical testing. Allele origin: germline.

Leiden Open Variation Database
Classification: Uncertain significance. Last evaluated: 2019-08-13. Review status: no assertion criteria provided. Collection method: curation. Allele origin: germline. Affected: yes. Not counted in ClinVar's aggregate classification.
Comment: Curator: Arleen D. Auerbach. Submitter to LOVD: Yukihide Momozawa.

Literature cited by the submitters: PubMed 31214711 (cited by Leiden Open Variation Database).

NM_032043.3(BRIP1):c.3079G>C (p.Glu1027Gln)

Gene: BRIP1 (BRCA1 interacting DNA helicase 1; minus strand). Cytogenetic location: 17q23.2.
Variant type: single nucleotide variant.
Coding change: c.3079G>C on transcript NM_032043.3 (MANE Select); coding-DNA position 3079, G replaced by C.
Protein change: p.Glu1027Gln; replaces glutamic acid 1027 with glutamine.
Molecular consequence: missense variant.
Genome position (GRCh38, 1-based): chr17:61,683,967, C>G on the plus strand (G>C on the coding strand, the complement: BRIP1 is on the minus strand). VCF-style: chr17-61683967-C-G. GRCh37 (hg19) VCF-style: chr17-59761328-C-G.
Other names: short protein forms E1027Q.
Identifiers: ClinVar variation 918514 (VCV000918514.4), dbSNP rs371185409, ClinGen allele CA400479840.